The following is an entry in ClinVar:

ClinVar aggregate classification (germline): Benign/Likely benign. Review status: criteria provided, multiple submitters, no conflicts (2 of 4 stars). 7 submissions from 5 submitters: Benign (5); Likely benign (2). Last evaluated 2023-02-08.

Conditions:
Acute febrile neutrophilic dermatosis (AFND). Also called: Sweet Syndrome; Gomm Button disease. Identifiers: Orphanet 3243, MedGen C0085077, MONDO:0011959, OMIM 608068.
Familial Mediterranean fever (FMF). Also called: Periodic peritonitis; Benign paroxysmal peritonitis; POLYSEROSITIS, FAMILIAL PAROXYSMAL; POLYSEROSITIS, RECURRENT. Identifiers: Orphanet 342, MedGen C0031069, MONDO:0018088, OMIM 249100. Disease mechanism: gain of function.
Familial Mediterranean fever, autosomal dominant. Also called: Dominant Familial Mediterranean Fever; FMF, AUTOSOMAL DOMINANT. Identifiers: Orphanet 342, MedGen C1851347, MONDO:0007601, OMIM 134610.

Allele frequency attached by ClinVar (database versions not stated): gnomAD 0.01591 and 0.02010; gnomAD exomes 0.01804; TOPMed 0.01982; 1000 Genomes Project 30x 0.07136; 1000 Genomes Project 0.07748.
gnomAD v4.1: 19,210 of 1,027,446 alleles (1.9%); highest among the groups gnomAD compares: East Asian, 29%; 1,930 homozygotes.

Submissions (13):

Genome-Nilou Lab
Classification: Benign for Familial Mediterranean fever. Last evaluated: 2023-02-08. Review status: criteria provided, single submitter. Criteria: ACMG Guidelines, 2015. Collection method: clinical testing. Allele origin: germline.

Genome-Nilou Lab
Classification: Benign for Familial Mediterranean fever, autosomal dominant. Last evaluated: 2023-02-08. Review status: criteria provided, single submitter. Criteria: ACMG Guidelines, 2015. Collection method: clinical testing. Allele origin: germline.

Genome-Nilou Lab
Classification: Benign for Acute febrile neutrophilic dermatosis. Last evaluated: 2023-02-08. Review status: criteria provided, single submitter. Criteria: ACMG Guidelines, 2015. Collection method: clinical testing. Allele origin: germline.

GeneDx
Classification: Benign. Last evaluated: 2018-09-07. Review status: criteria provided, single submitter. Criteria: GeneDx Variant Classification Process June 2021. Collection method: clinical testing. Allele origin: germline. Affected: yes.

Illumina Laboratory Services, Illumina
Classification: Benign for Familial Mediterranean fever. Last evaluated: 2018-01-13. Review status: criteria provided, single submitter. Criteria: ICSL Variant Classification Criteria 13 December 2019. Collection method: clinical testing. Allele origin: germline.
Comment: This variant was observed in the ICSL laboratory as part of a predisposition screen in an ostensibly healthy population. It had not been previously curated by ICSL or reported in the Human Gene Mutation Database (HGMD: prior to June 1st, 2018), and was therefore a candidate for classification through an automated scoring system. Utilizing variant allele frequency, disease prevalence and penetrance estimates, and inheritance mode, an automated score was calculated to assess if this variant is too frequent to cause the disease. Based on the score and internal cut-off values, a variant classified as benign is not then subjected to further curation. The score for this variant resulted in a classification of benign for this disease.

Atomic Energy Commission of Syria (AECS)
Classification: Likely benign for Familial Mediterranean fever. Last evaluated: 2016-01-25. Review status: criteria provided, single submitter. Criteria: Livneh et al (Arthritis Rheum 1997). Collection method: case-control. Allele origin: somatic.

Breakthrough Genomics
Classification: Likely benign. Review status: criteria provided, single submitter. Criteria: ACMG Guidelines, 2015. Collection method: not provided. Allele origin: germline. Inheritance: Autosomal recessive inheritance. Affected: yes.

Dr. Peter K. Rogan Lab, Western University
No classification provided (evidence only). Condition: Cervical cancer. Review status: no classification provided. Collection method: in vitro. Allele origin: not applicable. Functional consequence: retained intron. Not counted in ClinVar's aggregate classification.

Dr. Peter K. Rogan Lab, Western University
No classification provided (evidence only). Condition: Sarcoma. Review status: no classification provided. Collection method: in vitro. Allele origin: not applicable. Functional consequence: retained intron. Not counted in ClinVar's aggregate classification.

Dr. Peter K. Rogan Lab, Western University
No classification provided (evidence only). Condition: Malignant lymphoma, large B-cell, diffuse. Review status: no classification provided. Collection method: in vitro. Allele origin: not applicable. Functional consequence: retained intron. Not counted in ClinVar's aggregate classification.

Dr. Peter K. Rogan Lab, Western University
No classification provided (evidence only). Condition: Thymoma. Review status: no classification provided. Collection method: in vitro. Allele origin: not applicable. Functional consequence: retained intron. Not counted in ClinVar's aggregate classification.

Dr. Peter K. Rogan Lab, Western University
No classification provided (evidence only). Condition: Thymoma. Review status: no classification provided. Collection method: in vitro. Allele origin: not applicable. Functional consequence: retained intron. Not counted in ClinVar's aggregate classification.

Dr. Peter K. Rogan Lab, Western University
No classification provided (evidence only). Condition: Malignant tumor of esophagus. Review status: no classification provided. Collection method: in vitro. Allele origin: not applicable. Functional consequence: retained intron. Not counted in ClinVar's aggregate classification.

NM_000243.3(MEFV):c.*133G>A

Gene: MEFV (MEFV innate immunity regulator, pyrin; minus strand). Cytogenetic location: 16p13.3.
Variant type: single nucleotide variant.
Coding change: c.*133G>A on transcript NM_000243.3 (MANE Select); 133 bases downstream of the stop codon, G replaced by A.
Molecular consequence: 3 prime UTR variant.
Genome position (GRCh38, 1-based): chr16:3,243,008, C>T on the plus strand (G>A on the coding strand, the complement: MEFV is on the minus strand). VCF-style: chr16-3243008-C-T. GRCh37 (hg19) VCF-style: chr16-3293008-C-T.
Other names: NC_000016.9:g.3293008C>T; c.*683G>A (NM_001198536.2).
Identifiers: ClinVar variation 224066 (VCV000224066.9), dbSNP rs2075849, ClinGen allele CA351244.